The following is an entry in ClinVar:

ClinVar aggregate classification (germline): Uncertain significance (1 of 4 stars; one submission).

Conditions:
DICER1-related tumor predisposition. Also called: DICER1-related pleuropulmonary blastoma cancer predisposition syndrome; DICER1 syndrome. Identifiers: Orphanet 284343, MedGen C3839822, MONDO:0100216.

Submission:

Labcorp Genetics (formerly Invitae), Labcorp
Classification: Uncertain significance for DICER1-related tumor predisposition. Last evaluated: 2023-12-13. Review status: criteria provided, single submitter. Criteria: Invitae Variant Classification Sherloc (09022015). Collection method: clinical testing. Allele origin: germline.
Comment: This sequence change replaces alanine, which is neutral and non-polar, with proline, which is neutral and non-polar, at codon 1011 of the DICER1 protein (p.Ala1011Pro). This variant is not present in population databases (gnomAD no frequency). This variant has not been reported in the literature in individuals affected with DICER1-related conditions. Advanced modeling of protein sequence and biophysical properties (such as structural, functional, and spatial information, amino acid conservation, physicochemical variation, residue mobility, and thermodynamic stability) has been performed at Invitae for this missense variant, however the output from this modeling did not meet the statistical confidence thresholds required to predict the impact of this variant on DICER1 protein function. In summary, the available evidence is currently insufficient to determine the role of this variant in disease. Therefore, it has been classified as a Variant of Uncertain Significance.

NM_177438.3(DICER1):c.3031G>C (p.Ala1011Pro)

Gene: DICER1 (dicer 1, ribonuclease III; minus strand). Cytogenetic location: 14q32.13.
Variant type: single nucleotide variant.
Coding change: c.3031G>C on transcript NM_177438.3 (MANE Select); coding-DNA position 3031, G replaced by C.
Protein change: p.Ala1011Pro; replaces alanine 1011 with proline.
Molecular consequence: missense variant. On other transcripts: non-coding transcript variant (6).
Genome position (GRCh38, 1-based): chr14:95,105,740, C>G on the plus strand (G>C on the coding strand, the complement: DICER1 is on the minus strand). VCF-style: chr14-95105740-C-G. GRCh37 (hg19) VCF-style: chr14-95572077-C-G.
Other names: c.3031G>C, p.Ala1011Pro (NM_001195573.1, NM_001271282.3, NM_001291628.2 and 13 more transcripts); c.2749G>C, p.Ala917Pro (NM_001395686.1); c.2626G>C, p.Ala876Pro (NM_001395687.1, NM_001395688.1, NM_001395689.1 and 2 more transcripts); c.2464G>C, p.Ala822Pro (NM_001395691.1); c.1348G>C, p.Ala450Pro (NM_001395697.1); short protein forms A876P, A917P, A822P, A1011P, A450P.
Identifiers: ClinVar variation 2702791 (VCV002702791.3), dbSNP rs2542774880, ClinGen allele CA390878350.